The following is an entry in ClinVar:

NM_153717.3(EVC):c.2561+221A>G

Gene: EVC (EvC ciliary complex subunit 1; plus strand). Cytogenetic location: 4p16.2.
Variant type: single nucleotide variant.
Coding change: c.2561+221A>G on transcript NM_153717.3 (MANE Select); 221 bases into the intron after coding-DNA position 2561, A replaced by G.
Molecular consequence: intron variant.
Genome position (GRCh38, 1-based): chr4:5,805,062, A>G. VCF-style: chr4-5805062-A-G. GRCh37 (hg19) VCF-style: chr4-5806789-A-G.
Other names: c.2561+221A>G (NM_001306090.2).
Identifiers: ClinVar variation 671275 (VCV000671275.1), dbSNP rs2279251, ClinGen allele CA11634321.
Genomic context (GRCh38, chr4:5,805,062, plus strand): 5'-CCATGCAGCACCTGGAGTGGCACCTGGCACAAATGAGTGAGCAGGTCATGGTGTGGTGGC[A>G]GCTTCATTCCCAGGTTTAAGTGGCATTCACAGCCCGGACACAGGTCTAAGCCATGTTTAG-3'

ClinVar aggregate classification (germline): Benign (1 of 4 stars; one submission).

Allele frequency attached by ClinVar (database versions not stated): TOPMed 0.28291; gnomAD 0.29297 and 0.29809; 1000 Genomes Project 30x 0.30418; 1000 Genomes Project 0.30551.
gnomAD v4.1: 44,721 of 149,762 alleles (30%); highest among the groups gnomAD compares: South Asian, 43%; 6,797 homozygotes.

Submission:

GeneDx
Classification: Benign. Last evaluated: 2018-06-19. Review status: criteria provided, single submitter. Criteria: GeneDx Variant Classification (06012015). Collection method: clinical testing. Allele origin: germline. Affected: yes.
Comment: This variant is considered likely benign or benign based on one or more of the following criteria: it is a conservative change, it occurs at a poorly conserved position in the protein, it is predicted to be benign by multiple in silico algorithms, and/or has population frequency not consistent with disease.